The following is an entry in ClinVar:

ClinVar aggregate classification (germline): Uncertain significance (1 of 4 stars; one submission).

Submission:

Labcorp Genetics (formerly Invitae), Labcorp
Classification: Uncertain significance. Last evaluated: 2022-04-12. Review status: criteria provided, single submitter. Criteria: Invitae Variant Classification Sherloc (09022015). Collection method: clinical testing. Allele origin: germline.
Comment: In summary, the available evidence is currently insufficient to determine the role of this variant in disease. Therefore, it has been classified as a Variant of Uncertain Significance. Algorithms developed to predict the effect of missense changes on protein structure and function (SIFT, PolyPhen-2, Align-GVGD) all suggest that this variant is likely to be tolerated. This variant has not been reported in the literature in individuals affected with ASAH1-related conditions. This variant is not present in population databases (gnomAD no frequency). This sequence change replaces histidine, which is basic and polar, with glutamine, which is neutral and polar, at codon 154 of the ASAH1 protein (p.His154Gln).

NM_177924.5(ASAH1):c.462T>A (p.His154Gln)

Gene: ASAH1 (N-acylsphingosine amidohydrolase 1; minus strand). Cytogenetic location: 8p22.
Variant type: single nucleotide variant.
Coding change: c.462T>A on transcript NM_177924.5 (MANE Select); coding-DNA position 462, T replaced by A.
Protein change: p.His154Gln; replaces histidine 154 with glutamine.
Molecular consequence: missense variant.
Genome position (GRCh38, 1-based): chr8:18,063,226, A>T on the plus strand (T>A on the coding strand, the complement: ASAH1 is on the minus strand). VCF-style: chr8-18063226-A-T. GRCh37 (hg19) VCF-style: chr8-17920735-A-T.
Other names: c.444T>A, p.His148Gln (NM_001127505.3); c.267T>A, p.His89Gln (NM_001363743.2); c.510T>A, p.His170Gln (NM_004315.6); short protein forms H148Q, H154Q, H170Q, H89Q.
Identifiers: ClinVar variation 2124764 (VCV002124764.4), dbSNP rs2537933019, ClinGen allele CA370431207.